The following is an entry in ClinVar:

ClinVar aggregate classification (germline): Uncertain significance (1 of 4 stars; one submission).

Conditions:
Cardiovascular phenotype. Identifiers: MedGen CN230736.

Allele frequency attached by ClinVar (database versions not stated): gnomAD exomes 0.00001.
gnomAD v4.1: 9 of 1,613,886 alleles (0.00056%); highest among the groups gnomAD compares: Non-Finnish European, 0.00068%; no homozygotes.

Submission:

Ambry Genetics
Classification: Uncertain significance for Cardiovascular phenotype. Last evaluated: 2024-02-22. Review status: criteria provided, single submitter. Criteria: Ambry Variant Classification Scheme 2023. Collection method: clinical testing. Allele origin: germline.
Comment: The p.V120A variant (also known as c.359T>C), located in coding exon 3 of the LCAT gene, results from a T to C substitution at nucleotide position 359. The valine at codon 120 is replaced by alanine, an amino acid with similar properties. This amino acid position is conserved. In addition, this alteration is predicted to be deleterious by in silico analysis. Based on the available evidence, the clinical significance of this alteration remains unclear.

NM_000229.2(LCAT):c.359T>C (p.Val120Ala)

Gene: LCAT (lecithin-cholesterol acyltransferase; minus strand). Cytogenetic location: 16q22.1.
Variant type: single nucleotide variant.
Coding change: c.359T>C on transcript NM_000229.2 (MANE Select); coding-DNA position 359, T replaced by C.
Protein change: p.Val120Ala; replaces valine 120 with alanine.
Molecular consequence: missense variant.
Genome position (GRCh38, 1-based): chr16:67,942,929, A>G on the plus strand (T>C on the coding strand, the complement: LCAT is on the minus strand). VCF-style: chr16-67942929-A-G. GRCh37 (hg19) VCF-style: chr16-67976832-A-G.
Other names: short protein forms V120A.
Identifiers: ClinVar variation 3230701 (VCV003230701.1), dbSNP rs766209201, ClinGen allele CA283163127.